The following is an entry in ClinVar:

ClinVar aggregate classification (germline): Uncertain significance (1 of 4 stars; one submission).

Allele frequency attached by ClinVar (database versions not stated): gnomAD exomes 0.00002 and 0.00011; gnomAD 0.00005 and 0.00007; TOPMed 0.00007; ExAC 0.00014; 1000 Genomes Project 0.00060; 1000 Genomes Project 30x 0.00078.
gnomAD v4.1: 37 of 1,614,090 alleles (0.0023%); highest among the groups gnomAD compares: East Asian, 0.067%; no homozygotes.

Submission:

Labcorp Genetics (formerly Invitae), Labcorp
Classification: Uncertain significance. Last evaluated: 2025-07-30. Review status: criteria provided, single submitter. Criteria: Invitae Variant Classification Sherloc (09022015). Collection method: clinical testing. Allele origin: germline.
Comment: This sequence change replaces glycine, which is neutral and non-polar, with aspartic acid, which is acidic and polar, at codon 2152 of the DNAH9 protein (p.Gly2152Asp). This variant is present in population databases (rs79099918, gnomAD 0.1%). This variant has not been reported in the literature in individuals affected with DNAH9-related conditions. ClinVar contains an entry for this variant (Variation ID: 1364879). Invitae Evidence Modeling of protein sequence and biophysical properties (such as structural, functional, and spatial information, amino acid conservation, physicochemical variation, residue mobility, and thermodynamic stability) indicates that this missense variant is not expected to disrupt DNAH9 protein function with a negative predictive value of 80%. In summary, the available evidence is currently insufficient to determine the role of this variant in disease. Therefore, it has been classified as a Variant of Uncertain Significance.

NM_001372.4(DNAH9):c.6455G>A (p.Gly2152Asp)

Gene: DNAH9 (dynein axonemal heavy chain 9; plus strand). Cytogenetic location: 17p12.
Variant type: single nucleotide variant.
Coding change: c.6455G>A on transcript NM_001372.4 (MANE Select); coding-DNA position 6455, G replaced by A.
Protein change: p.Gly2152Asp; replaces glycine 2152 with aspartic acid.
Molecular consequence: missense variant.
Genome position (GRCh38, 1-based): chr17:11,747,611, G>A. VCF-style: chr17-11747611-G-A. GRCh37 (hg19) VCF-style: chr17-11650928-G-A.
Other names: short protein forms G2152D.
Identifiers: ClinVar variation 1364879 (VCV001364879.6), dbSNP rs79099918, ClinGen allele CA8396321.
Genomic context (GRCh38, chr17:11,747,611, plus strand): 5'-CTCAGGTGGTCCAGCTGGAGGAGCTCCTGGCTGTGCGGCACTCTGTATTTGTGGTGGGTG[G>A]CGCTGGTACCGGCAAGTCACAGGTGCTGAGGTCCTTGCACAAGACCTATCAGATCATGAA-3'
Protein context (NP_001363.2, residues 2142-2162): AVRHSVFVVG[Gly2152Asp]AGTGKSQVLR